The following is an entry in ClinVar:

NM_018230.3(NUP133):c.1521T>C (p.Thr507=)

Gene: NUP133 (nucleoporin 133; minus strand). Cytogenetic location: 1q42.13.
Variant type: single nucleotide variant.
Coding change: c.1521T>C on transcript NM_018230.3 (MANE Select); coding-DNA position 1521, T replaced by C.
Protein change: p.Thr507=; no amino-acid change (threonine 507 retained).
Molecular consequence: synonymous variant.
Genome position (GRCh38, 1-based): chr1:229,484,125, A>G on the plus strand (T>C on the coding strand, the complement: NUP133 is on the minus strand). VCF-style: chr1-229484125-A-G. GRCh37 (hg19) VCF-style: chr1-229619872-A-G.
Identifiers: ClinVar variation 3029444 (VCV003029444.4), dbSNP rs768362153, ClinGen allele CA1443512.

ClinVar aggregate classification (germline): Likely benign. Review status: criteria provided, single submitter (1 of 4 stars). 2 submissions from 2 submitters: Likely benign (1). 1 of the submissions does not count toward it. Last evaluated 2024-07-13.

Conditions:
NUP133-related disorder. Also called: NUP133-related condition.

Allele frequency attached by ClinVar (database versions not stated): gnomAD 0.00001; gnomAD exomes 0.00002; ExAC 0.00006.
gnomAD v4.1: 27 of 1,612,830 alleles (0.0017%); highest among the groups gnomAD compares: South Asian, 0.025%; no homozygotes.

Submissions (2):

Labcorp Genetics (formerly Invitae), Labcorp
Classification: Likely benign. Last evaluated: 2024-07-13. Review status: criteria provided, single submitter. Criteria: Invitae Variant Classification Sherloc (09022015). Collection method: clinical testing. Allele origin: germline.

PreventionGenetics, part of Exact Sciences
Classification: Likely benign for NUP133-related condition. Last evaluated: 2022-10-24. Review status: no assertion criteria provided. Collection method: clinical testing. Allele origin: germline. Not counted in ClinVar's aggregate classification.
Comment: This variant is classified as likely benign based on ACMG/AMP sequence variant interpretation guidelines (Richards et al. 2015 PMID: 25741868, with internal and published modifications).